The following is an entry in ClinVar:

NM_005908.4(MANBA):c.2386del (p.Ala796fs)

Gene: MANBA (mannosidase beta; minus strand). Cytogenetic location: 4q24.
Variant type: Deletion.
Coding change: c.2386del on transcript NM_005908.4 (MANE Select); coding-DNA position 2386, one base deleted (G; older notation c.2386delG).
Protein change: p.Ala796fs; shifts the reading frame from alanine 796.
Molecular consequence: frameshift variant.
Genome position (GRCh38, 1-based): chr4:102,634,817, C deleted on the plus strand (G on the coding strand, the reverse complement: MANBA is on the minus strand); the first of 2 consecutive C bases (chr4:102,634,817-102,634,818); deleting either gives the same sequence. VCF-style (leftmost placement, unchanged base first): chr4-102634816-GC-G. GRCh37 (hg19) VCF-style: chr4-103555973-GC-G.
Other names: short protein forms A796fs.
Identifiers: ClinVar variation 3609328 (VCV003609328.2).

ClinVar aggregate classification (germline): Uncertain significance (1 of 4 stars; one submission).

Conditions:
Beta-D-mannosidosis (MANSB). Also called: Beta-Mannosidosis; MANNOSIDOSIS, BETA A, LYSOSOMAL; BETA-MANNOSIDASE DEFICIENCY; LYSOSOMAL BETA-MANNOSIDASE DEFICIENCY. Identifiers: Orphanet 118, MedGen C4048196, MONDO:0009562, OMIM 248510.

Submission:

Labcorp Genetics (formerly Invitae), Labcorp
Classification: Uncertain significance for Beta-D-mannosidosis. Last evaluated: 2024-02-02. Review status: criteria provided, single submitter. Criteria: Invitae Variant Classification Sherloc (09022015). Collection method: clinical testing. Allele origin: germline.
Comment: This sequence change creates a premature translational stop signal (p.Ala796Profs*37) in the MANBA gene. While this is not anticipated to result in nonsense mediated decay, it is expected to disrupt the last 84 amino acid(s) of the MANBA protein. This variant is not present in population databases (gnomAD no frequency). This variant has not been reported in the literature in individuals affected with MANBA-related conditions. Experimental studies and prediction algorithms are not available or were not evaluated, and the functional significance of this variant is currently unknown. In summary, the available evidence is currently insufficient to determine the role of this variant in disease. Therefore, it has been classified as a Variant of Uncertain Significance.